The following is an entry in ClinVar:

ClinVar aggregate classification (germline): Uncertain significance. Review status: criteria provided, multiple submitters, no conflicts (2 of 4 stars). 3 submissions from 3 submitters: Uncertain significance (3). Last evaluated 2026-09-21.

Conditions:
Cohen syndrome (COH1). Also called: PEPPER SYNDROME; Cutis verticis gyrata, retinitis pigmentosa, and sensorineural deafness. Identifiers: Orphanet 193, MedGen C0265223, MONDO:0008999, OMIM 216550.
VPS13B-related disorder. Also called: VPS13B-related condition.

Allele frequency attached by ClinVar (database versions not stated): gnomAD 0.00001; gnomAD exomes 0.00001; TOPMed 0.00001.
gnomAD v4.1: 5 of 1,613,864 alleles (0.00031%); highest among the groups gnomAD compares: Admixed American, 0.0067%; no homozygotes.

Submissions (3):

PreventionGenetics, part of Exact Sciences
Classification: Uncertain significance for VPS13B-related condition. Last evaluated: 2026-09-21. Review status: criteria provided, single submitter. Criteria: ACMG Guidelines, 2015. Collection method: clinical testing. Allele origin: germline.
Comment: The VPS13B c.3901C>T variant is predicted to result in the amino acid substitution p.Pro1301Ser. To our knowledge, this variant has not been reported in the literature. This variant is reported in 0.0087% of alleles in individuals of Latino descent in gnomAD. At this time, the clinical significance of this variant is uncertain due to the absence of conclusive functional and genetic evidence.

Labcorp Genetics (formerly Invitae), Labcorp
Classification: Uncertain significance for Cohen syndrome. Last evaluated: 2021-09-01. Review status: criteria provided, single submitter. Criteria: Invitae Variant Classification Sherloc (09022015). Collection method: clinical testing. Allele origin: germline.

Fulgent Genetics
Classification: Uncertain significance for Cohen syndrome. Last evaluated: 2021-07-11. Review status: criteria provided, single submitter. Criteria: ACMG Guidelines, 2015. Collection method: clinical testing. Allele origin: unknown.

NM_152564.5(VPS13B):c.3901C>T (p.Pro1301Ser)

Gene: VPS13B (vacuolar protein sorting 13 homolog B; plus strand). Cytogenetic location: 8q22.2.
Variant type: single nucleotide variant.
Coding change: c.3901C>T on transcript NM_152564.5 (MANE Select); coding-DNA position 3901, C replaced by T.
Protein change: p.Pro1301Ser; replaces proline 1301 with serine.
Molecular consequence: missense variant.
Genome position (GRCh38, 1-based): chr8:99,501,717, C>T. VCF-style: chr8-99501717-C-T. GRCh37 (hg19) VCF-style: chr8-100513945-C-T.
Other names: c.3901C>T, p.Pro1301Ser (NM_017890.5); c.3901C>T (NM_152564.4); short protein forms P1301S.
Identifiers: ClinVar variation 1433724 (VCV001433724.5), dbSNP rs1326406012, ClinGen allele CA371869331.